The following is an entry in ClinVar:

ClinVar aggregate classification (germline): Uncertain significance (1 of 4 stars; one submission).

Conditions:
Long QT syndrome (LQTS). Identifiers: MedGen C0023976, MeSH D008133, MONDO:0002442. Disease mechanism: loss of function. Inheritance: Various modes of inheritance.

Submission:

Labcorp Genetics (formerly Invitae), Labcorp
Classification: Uncertain significance for Long QT syndrome. Last evaluated: 2017-07-03. Review status: criteria provided, single submitter. Criteria: Invitae Variant Classification Sherloc (09022015). Collection method: clinical testing. Allele origin: germline.
Comment: In summary, the available evidence is currently insufficient to determine the role of this variant in disease. Therefore, it has been classified as a Variant of Uncertain Significance. Algorithms developed to predict the effect of missense changes on protein structure and function do not agree on the potential impact of this missense change (SIFT: "Deleterious"; PolyPhen-2: "Possibly Damaging"; Align-GVGD: "Class C0"). This variant has not been reported in the literature in individuals with AKAP9-related disease. This variant is not present in population databases (ExAC no frequency). This sequence change replaces serine with proline at codon 1812 of the AKAP9 protein (p.Ser1812Pro). The serine residue is moderately conserved and there is a moderate physicochemical difference between serine and proline.

NM_005751.5(AKAP9):c.5434T>C (p.Ser1812Pro)

Gene: AKAP9 (A-kinase anchoring protein 9; plus strand). Cytogenetic location: 7q21.2.
Variant type: single nucleotide variant.
Coding change: c.5434T>C on transcript NM_005751.5 (MANE Select); coding-DNA position 5434, T replaced by C.
Protein change: p.Ser1812Pro; replaces serine 1812 with proline.
Molecular consequence: missense variant.
Genome position (GRCh38, 1-based): chr7:92,052,791, T>C. VCF-style: chr7-92052791-T-C. GRCh37 (hg19) VCF-style: chr7-91682105-T-C.
Other names: c.5434T>C, p.Ser1812Pro (NM_147185.3); short protein forms S1812P.
Identifiers: ClinVar variation 457109 (VCV000457109.8), dbSNP rs1554435152, ClinGen allele CA368131068.